The following is an entry in ClinVar:

NM_013275.6(ANKRD11):c.745-2A>C

Gene: ANKRD11 (ankyrin repeat domain 11; minus strand). Cytogenetic location: 16q24.3.
Variant type: single nucleotide variant.
Coding change: c.745-2A>C on transcript NM_013275.6 (MANE Select); the canonical splice acceptor site of the intron before coding-DNA position 745, A replaced by C.
Molecular consequence: splice acceptor variant.
Genome position (GRCh38, 1-based): chr16:89,286,188, T>G on the plus strand (A>C on the coding strand, the complement: ANKRD11 is on the minus strand). VCF-style: chr16-89286188-T-G. GRCh37 (hg19) VCF-style: chr16-89352596-T-G.
Other names: c.745-2A>C (NM_001256183.2, NM_001256182.2).
Identifiers: ClinVar variation 4818948 (VCV004818948.1).
Genomic context (GRCh38, chr16:89,286,188, plus strand): 5'-TCGCCTTTCCTGTTGCTCTGCTGCGGGTTCCCTCCGTACCGCAGCAGCAGCTTCACCACC[T>G]ACAAGACAGTAACACCCGCGTCAGGGACTGCTGGAGAAGCACAACTCCTCTACCGTTCCG-3'

ClinVar aggregate classification (germline): Likely pathogenic (1 of 4 stars; one submission).

Conditions:
KBG syndrome (KBGS). Also called: ANKRD11-Related KBG Syndrome. Identifiers: Orphanet 2332, MedGen C0220687, MONDO:0007846, OMIM 148050.

Submission:

Victorian Clinical Genetics Services, Murdoch Childrens Research Institute
Classification: Likely pathogenic for KBG syndrome. Last evaluated: 2025-12-23. Review status: criteria provided, single submitter. Criteria: ACMG Guidelines, 2015. Collection method: clinical testing. Allele origin: germline. Affected: yes.
Comment: This variant is classified as Likely pathogenic. Evidence in support of pathogenic classification: Canonical splice site variant without proven consequence on splicing (no functional evidence available); Variant is absent from gnomAD (v2, v3 and v4); Another splice site variant comparable to the one identified in this case has limited previous evidence for pathogenicity. The c.745-2A>G variant has been classified as likely pathogenic by a clinical laboratory in ClinVar; Abnormal splicing is predicted by in silico tool and affected nucleotide is highly conserved. Additional information: This variant is heterozygous; This gene is associated with autosomal dominant disease; This variant has no previous evidence of pathogenicity; No published evidence of segregation with disease has been identified for this variant; No published functional evidence has been identified for this variant; Loss of function is a known mechanism of disease in this gene and is associated with KBG syndrome (MIM#148050); Variants in this gene are known to have variable expressivity. Intrafamilial variability is commonly reported (PMID: 29258554); Inheritance information for this variant is not currently available in this individual.

Literature cited by the submitters: PubMed 29258554.